The following is an entry in ClinVar:

ClinVar aggregate classification (germline): Benign. Review status: criteria provided, multiple submitters, no conflicts (2 of 4 stars). 2 submissions from 2 submitters: Benign (2). Last evaluated 2018-01-13.

Conditions:
Leukoencephalopathy-thalamus and brainstem anomalies-high lactate syndrome. Also called: LEUKOENCEPHALOPATHY WITH THALAMUS AND BRAINSTEM INVOLVEMENT AND HIGH LACTATE; Combined oxidative phosphorylation deficiency 12. Identifiers: Orphanet 314051, MedGen C4706421, MONDO:0013971, OMIM 614924.

Allele frequency attached by ClinVar (database versions not stated): 1000 Genomes Project 0.78694; 1000 Genomes Project 30x 0.78982; gnomAD exomes 0.87500; gnomAD 0.82105 and 0.82452; TOPMed 0.82712.
gnomAD v4.1: 124,956 of 152,132 alleles (82%); highest among the groups gnomAD compares: Middle Eastern, 89%; 51,414 homozygotes.

Submissions (2):

Illumina Laboratory Services, Illumina
Classification: Benign for Leukoencephalopathy-thalamus and brainstem anomalies-high lactate syndrome. Last evaluated: 2018-01-13. Review status: criteria provided, single submitter. Criteria: ICSL Variant Classification Criteria 13 December 2019. Collection method: clinical testing. Allele origin: germline.
Comment: This variant was observed in the ICSL laboratory as part of a predisposition screen in an ostensibly healthy population. It had not been previously curated by ICSL or reported in the Human Gene Mutation Database (HGMD: prior to June 1st, 2018), and was therefore a candidate for classification through an automated scoring system. Utilizing variant allele frequency, disease prevalence and penetrance estimates, and inheritance mode, an automated score was calculated to assess if this variant is too frequent to cause the disease. Based on the score and internal cut-off values, a variant classified as benign is not then subjected to further curation. The score for this variant resulted in a classification of benign for this disease.

Breakthrough Genomics
Classification: Benign. Review status: criteria provided, single submitter. Criteria: ACMG Guidelines, 2015. Collection method: not provided. Allele origin: germline. Inheritance: Autosomal recessive inheritance. Affected: yes.

NM_001083614.2(EARS2):c.*1594C>T

Genes: EARS2 (glutamyl-tRNA synthetase 2, mitochondrial; minus strand), GGA2 (golgi associated, gamma adaptin ear containing, ARF binding protein 2; minus strand). Cytogenetic location: 16p12.2.
Variant type: single nucleotide variant.
Coding change: c.*1594C>T on transcript NM_001083614.2 (MANE Select); 1594 bases downstream of the stop codon, C replaced by T.
Molecular consequence: 3 prime UTR variant. On other transcripts: non-coding transcript variant (1).
Genome position (GRCh38, 1-based): chr16:23,522,777, G>A on the plus strand (C>T on the coding strand, the complement: EARS2 is on the minus strand). VCF-style: chr16-23522777-G-A. GRCh37 (hg19) VCF-style: chr16-23534098-G-A.
Identifiers: ClinVar variation 318516 (VCV000318516.6), dbSNP rs9707, ClinGen allele CA10647212.